The following is an entry in ClinVar:

NM_007194.4(CHEK2):c.1170C>G (p.Tyr390Ter)

Gene: CHEK2 (checkpoint kinase 2; minus strand). Cytogenetic location: 22q12.1.
Variant type: single nucleotide variant.
Coding change: c.1170C>G on transcript NM_007194.4 (MANE Select); coding-DNA position 1170, C replaced by G.
Protein change: p.Tyr390Ter; replaces tyrosine 390 with a stop codon.
Molecular consequence: nonsense.
Genome position (GRCh38, 1-based): chr22:28,695,799, G>C on the plus strand (C>G on the coding strand, the complement: CHEK2 is on the minus strand). VCF-style: chr22-28695799-G-C. GRCh37 (hg19) VCF-style: chr22-29091787-G-C.
Other names: c.1299C>G, p.Tyr433Ter (NM_001005735.3); c.507C>G, p.Tyr169Ter (NM_001257387.3, NM_001437942.1); c.969C>G, p.Tyr323Ter (NM_001349956.3); c.1263C>G, p.Tyr421Ter (NM_001438293.1); c.1212C>G, p.Tyr404Ter (NM_001438294.1); c.1176C>G, p.Tyr392Ter (NM_001438295.1); c.1083C>G, p.Tyr361Ter (NM_145862.3); short protein forms Y421*, Y169*, Y390*, Y361*, Y392*, Y404*, Y433*, Y323*.
Identifiers: ClinVar variation 4228016 (VCV004228016.1).

ClinVar aggregate classification (germline): Pathogenic (1 of 4 stars; one submission).

Conditions:
Hereditary cancer-predisposing syndrome. Also called: Hereditary Cancer Syndrome; Hereditary neoplastic syndrome; Neoplastic Syndromes, Hereditary; Tumor predisposition. Identifiers: Orphanet 140162, MedGen C0027672, MeSH D009386, MONDO:0015356.

Submission:

Ambry Genetics
Classification: Pathogenic for Hereditary cancer-predisposing syndrome. Last evaluated: 2025-08-29. Review status: criteria provided, single submitter. Criteria: Ambry Variant Classification Scheme 2023. Collection method: clinical testing. Allele origin: germline.
Comment: The p.Y390* pathogenic mutation (also known as c.1170C>G), located in coding exon 10 of the CHEK2 gene, results from a C to G substitution at nucleotide position 1170. This changes the amino acid from a tyrosine to a stop codon within coding exon 10. This variant is considered to be rare based on population cohorts in the Genome Aggregation Database (gnomAD). This alteration is expected to result in loss of function by premature protein truncation or nonsense-mediated mRNA decay. As such, this alteration is interpreted as a disease-causing mutation.